The following is an entry in ClinVar:

ClinVar aggregate classification (germline): Benign/Likely benign. Review status: criteria provided, multiple submitters, no conflicts (2 of 4 stars). 4 submissions from 4 submitters: Benign (1); Likely benign (3). Last evaluated 2024-10-05.

Conditions:
Familial cancer of breast. Also called: BREAST CANCER, FAMILIAL; Hereditary breast cancer; hereditary breast carcinoma. Identifiers: Orphanet 227535, MedGen C0346153, MONDO:0016419, OMIM 114480. Disease mechanism: loss of function.
Fanconi anemia complementation group J. Also called: BRIP1-Related Fanconi Anemia. Identifiers: Orphanet 84, MedGen C1836860, MONDO:0012187, OMIM 609054.
Hereditary cancer-predisposing syndrome. Also called: Tumor predisposition; Neoplastic Syndromes, Hereditary; Hereditary Cancer Syndrome; Hereditary neoplastic syndrome. Identifiers: Orphanet 140162, MedGen C0027672, MeSH D009386, MONDO:0015356.

Submissions (4):

Ambry Genetics
Classification: Likely benign for Hereditary cancer-predisposing syndrome. Last evaluated: 2024-10-05. Review status: criteria provided, single submitter. Criteria: Ambry Variant Classification Scheme 2023. Collection method: clinical testing. Allele origin: germline.

Myriad Genetics, Inc.
Classification: Benign for Familial cancer of breast. Last evaluated: 2024-09-10. Review status: criteria provided, single submitter. Criteria: Myriad Autosomal Dominant, Autosomal Recessive and X-Linked Classification Criteria (2023). Collection method: clinical testing. Allele origin: unknown.
Comment: This variant is considered benign. This variant is a silent/synonymous amino acid change and it is not expected to impact splicing.

Labcorp Genetics (formerly Invitae), Labcorp
Classification: Likely benign for Familial cancer of breast; Fanconi anemia complementation group J. Last evaluated: 2024-07-19. Review status: criteria provided, single submitter. Criteria: Invitae Variant Classification Sherloc (09022015). Collection method: clinical testing. Allele origin: germline.

Color Diagnostics, LLC DBA Color Health
Classification: Likely benign for Hereditary cancer-predisposing syndrome. Last evaluated: 2018-07-24. Review status: criteria provided, single submitter. Criteria: ACMG Guidelines, 2015. Collection method: clinical testing. Allele origin: germline.

NM_032043.3(BRIP1):c.3378A>G (p.Glu1126=)

Gene: BRIP1 (BRCA1 interacting DNA helicase 1; minus strand). Cytogenetic location: 17q23.2.
Variant type: single nucleotide variant.
Coding change: c.3378A>G on transcript NM_032043.3 (MANE Select); coding-DNA position 3378, A replaced by G.
Protein change: p.Glu1126=; no amino-acid change (glutamic acid 1126 retained).
Molecular consequence: synonymous variant.
Genome position (GRCh38, 1-based): chr17:61,683,668, T>C on the plus strand (A>G on the coding strand, the complement: BRIP1 is on the minus strand). VCF-style: chr17-61683668-T-C. GRCh37 (hg19) VCF-style: chr17-59761029-T-C.
Identifiers: ClinVar variation 628914 (VCV000628914.14), dbSNP rs145855459, ClinGen allele CA501335054.